The following is an entry in ClinVar:

ClinVar aggregate classification (germline): Pathogenic. Review status: criteria provided, multiple submitters, no conflicts (2 of 4 stars). 2 submissions from 2 submitters: Pathogenic (2). Last evaluated 2026-04-08.

Conditions:
Hereditary cancer-predisposing syndrome. Also called: Neoplastic Syndromes, Hereditary; Tumor predisposition; Hereditary Cancer Syndrome; Hereditary neoplastic syndrome. Identifiers: Orphanet 140162, MedGen C0027672, MeSH D009386, MONDO:0015356.
Hereditary breast ovarian cancer syndrome. Also called: Hereditary breast and ovarian cancer syndrome; Hereditary breast and ovarian cancer; Hereditary breast and/or ovarian cancer syndrome; Breast and ovarian cancer; BRCA1- and BRCA2-Associated Hereditary Breast and Ovarian Cancer; Hereditary breast and ovarian cancer syndrome (HBOC). Identifiers: Orphanet 145, MedGen C0677776, MeSH D061325, MONDO:0003582. Disease mechanism: loss of function.

Submissions (2):

Ambry Genetics
Classification: Pathogenic for Hereditary cancer-predisposing syndrome. Last evaluated: 2026-04-08. Review status: criteria provided, single submitter. Criteria: Ambry Variant Classification Scheme 2023. Collection method: clinical testing. Allele origin: germline.
Comment: The c.426delC pathogenic mutation, located in coding exon 5 of the BRCA1 gene, results from a deletion of one nucleotide at nucleotide position 426, causing a translational frameshift with a predicted alternate stop codon (p.E143Kfs*20). This variant is considered to be rare based on population cohorts in the Genome Aggregation Database (gnomAD). This alteration is expected to result in loss of function by premature protein truncation or nonsense-mediated mRNA decay. As such, this alteration is interpreted as a disease-causing mutation.

Labcorp Genetics (formerly Invitae), Labcorp
Classification: Pathogenic for Hereditary breast ovarian cancer syndrome. Last evaluated: 2022-01-14. Review status: criteria provided, single submitter. Criteria: Invitae Variant Classification Sherloc (09022015). Collection method: clinical testing. Allele origin: germline.
Comment: This variant is not present in population databases (gnomAD no frequency). This sequence change creates a premature translational stop signal (p.Glu143Lysfs*20) in the BRCA1 gene. It is expected to result in an absent or disrupted protein product. Loss-of-function variants in BRCA1 are known to be pathogenic (PMID: 20104584). This variant has not been reported in the literature in individuals affected with BRCA1-related conditions. For these reasons, this variant has been classified as Pathogenic.

Literature cited by the submitters: PubMed 20104584 (cited by Labcorp Genetics (formerly Invitae), Labcorp).

NM_007294.4(BRCA1):c.426del (p.Glu143fs)

Gene: BRCA1 (BRCA1 DNA repair associated; minus strand). Cytogenetic location: 17q21.31.
Variant type: Deletion.
Coding change: c.426del on transcript NM_007294.4 (MANE Select); coding-DNA position 426, one base deleted (C; older notation c.426delC).
Protein change: p.Glu143fs; shifts the reading frame from glutamic acid 143.
Molecular consequence: frameshift variant. On other transcripts: non-coding transcript variant (1).
Genome position (GRCh38, 1-based): chr17:43,104,137, G deleted on the plus strand (C on the coding strand, the reverse complement: BRCA1 is on the minus strand); the first of 3 consecutive G bases (chr17:43,104,137-43,104,139); deleting any one gives the same sequence. VCF-style (leftmost placement, unchanged base first): chr17-43104136-CG-C. GRCh37 (hg19) VCF-style: chr17-41256153-CG-C.
Other names: c.426delC (NM_007294.3); c.214delC, p.Glu73Lysfs (NM_001407571.1, NM_001407853.1, NM_001407879.1 and 58 more transcripts); c.424delC, p.Glu143Lysfs (NM_001407581.1, NM_001407582.1, NM_001407583.1 and 163 more transcripts); c.415delC, p.Glu140Lysfs (NM_001407646.1, NM_001407647.1, NM_001408408.1); c.346delC, p.Glu117Lysfs (NM_001407653.1, NM_001407654.1, NM_001407655.1 and 21 more transcripts); c.283delC, p.Glu96Lysfs (NM_001407692.1, NM_001407694.1, NM_001407695.1 and 98 more transcripts); c.43delC, p.Glu16Lysfs (NM_001407959.1, NM_001407960.1, NM_001407962.1 and 4 more transcripts); c.292delC, p.Glu99Lysfs (NM_001408451.1); and 2 more; short protein forms E143fs, E96fs.
Identifiers: ClinVar variation 2082968 (VCV002082968.5), dbSNP rs2552250735, ClinGen allele CA2580093799.